The following is an entry in ClinVar:

NM_022787.4(NMNAT1):c.440-1G>A

Gene: NMNAT1 (nicotinamide nucleotide adenylyltransferase 1; plus strand). Cytogenetic location: 1p36.22.
Variant type: single nucleotide variant.
Coding change: c.440-1G>A on transcript NM_022787.4 (MANE Select); the canonical splice acceptor site of the intron before coding-DNA position 440, G replaced by A.
Molecular consequence: splice acceptor variant.
Genome position (GRCh38, 1-based): chr1:9,982,300, G>A. VCF-style: chr1-9982300-G-A. GRCh37 (hg19) VCF-style: chr1-10042358-G-A.
Other names: c.440-1G>A (NM_001297778.1).
Identifiers: ClinVar variation 3722433 (VCV003722433.3).
Genomic context (GRCh38, chr1:9,982,300, plus strand): 5'-ACTTGGAGGAGGTAGAGGGGAAGAAAAAGCATACCCCAAAGCTCTGTTTTATTCTTCCCA[G>A]CTGTGCCAAAGGTCAAGCTGCTGTGTGGGGCAGATTTATTGGAGTCCTTTGCTGTTCCCA-3'

ClinVar aggregate classification (germline): Uncertain significance (1 of 4 stars; one submission).

Conditions:
Leber congenital amaurosis 9 (LCA9). Also called: LCA9 Leber Congenital Amaurosis; LCA 9; Amaurosis congenita of Leber, type 9. Identifiers: Orphanet 65, MedGen C1837873, MONDO:0012056, OMIM 608553.

Submissions (2):

Labcorp Genetics (formerly Invitae), Labcorp
Classification: Uncertain significance for Leber congenital amaurosis 9. Last evaluated: 2025-06-11. Review status: criteria provided, single submitter. Criteria: Invitae Variant Classification Sherloc (09022015). Collection method: clinical testing. Allele origin: germline.
Comment: This sequence change affects an acceptor splice site in intron 4 of the NMNAT1 gene. While this variant is not anticipated to result in nonsense mediated decay, it likely alters RNA splicing and results in a disrupted protein product. This variant is not present in population databases (gnomAD no frequency). This variant has not been reported in the literature in individuals affected with NMNAT1-related conditions. ClinVar contains an entry for this variant (Variation ID: 3722433). Variants that disrupt the consensus splice site are a relatively common cause of aberrant splicing (PMID: 17576681, 9536098). Algorithms developed to predict the effect of sequence changes on RNA splicing suggest that this variant may disrupt the consensus splice site. In summary, the available evidence is currently insufficient to determine the role of this variant in disease. Therefore, it has been classified as a Variant of Uncertain Significance.

Dr. Peter K. Rogan Lab, Western University
No classification provided (evidence only). Condition: Thyroid cancer, nonmedullary, 1. Review status: no classification provided. Collection method: in vitro. Allele origin: not applicable. Functional consequence: retained intron. Not counted in ClinVar's aggregate classification.

Literature cited by the submitters: PubMed 17576681 (cited by Labcorp Genetics (formerly Invitae), Labcorp); PubMed 9536098 (cited by Labcorp Genetics (formerly Invitae), Labcorp).